The following is an entry in ClinVar:

NM_020066.5(FMN2):c.3302C>T (p.Pro1101Leu)

Gene: FMN2 (formin 2; plus strand). Cytogenetic location: 1q43.
Variant type: single nucleotide variant.
Coding change: c.3302C>T on transcript NM_020066.5 (MANE Select); coding-DNA position 3302, C replaced by T.
Protein change: p.Pro1101Leu; replaces proline 1101 with leucine.
Molecular consequence: missense variant. On other transcripts: intron variant (1).
Genome position (GRCh38, 1-based): chr1:240,208,114, C>T. VCF-style: chr1-240208114-C-T. GRCh37 (hg19) VCF-style: chr1-240371414-C-T.
Other names: c.1986+19852C>T (NM_001348094.2); c.3314C>T, p.Pro1105Leu (NM_001305424.2); short protein forms P1101L, P1105L.
Identifiers: ClinVar variation 2640181 (VCV002640181.25), dbSNP rs199799762, ClinGen allele CA1477081.
Genomic context (GRCh38, chr1:240,208,114, plus strand): 5'-CCGGAGCGGGCATACCCCCACCTCCCCCTCTACCCGGAGCGGGCATACCCCCTCCGCCCC[C>T]TCTACCCGGAGTGGGCATACCTCCTCCGCCCCCTCTACCCGGAGCGGGCATACCCCCTCC-3'
Protein context (NP_064450.3, residues 1091-1111): LPGAGIPPPP[Pro1101Leu]LPGVGIPPPP

ClinVar aggregate classification (germline): Benign/Likely benign. Review status: criteria provided, multiple submitters, no conflicts (2 of 4 stars). 2 submissions from 2 submitters: Benign (1); Likely benign (1). Last evaluated 2024-11-01.

Allele frequency attached by ClinVar (database versions not stated): ExAC 0.00056; 1000 Genomes Project 30x 0.00203; gnomAD 0.00205; ESP Exome Variant Server 0.01993; 1000 Genomes Project 0.02396.
gnomAD v4.1: 617 of 1,189,030 alleles (0.052%); highest among the groups gnomAD compares: African/African-American, 1.2%; 16 homozygotes.

Submissions (2):

CeGaT Center for Human Genetics Tuebingen
Classification: Benign. Last evaluated: 2024-11-01. Review status: criteria provided, single submitter. Criteria: CeGaT Center For Human Genetics Tuebingen Variant Classification Criteria Version 2. Collection method: clinical testing. Allele origin: germline. Affected: yes. Observed: 5 variant alleles.
Comment: FMN2: BS1, BS2

Blueprint Genetics
Classification: Likely benign. Last evaluated: 2024-10-18. Review status: criteria provided, single submitter. Criteria: ACMG Guidelines, 2015. Collection method: clinical testing. Allele origin: germline.